The following is an entry in ClinVar:

ClinVar aggregate classification (germline): Conflicting classifications of pathogenicity. Review status: criteria provided, conflicting classifications (1 of 4 stars). 4 submissions from 4 submitters: Uncertain significance (1); Benign (1); Likely benign (2). Last evaluated 2026-07-01.

Conditions:
Bethlem myopathy 1A. Also called: MYOPATHY, BENIGN CONGENITAL, WITH CONTRACTURES; Bethlem myopathy 1; Bethlem Muscular Dystrophy. Identifiers: Orphanet 610, MedGen CN029274, MONDO:0024530, OMIM 158810.

Allele frequency attached by ClinVar (database versions not stated): 1000 Genomes Project 30x 0.00031; 1000 Genomes Project 0.00040; ESP Exome Variant Server 0.00077; gnomAD 0.00087 and 0.00096; TOPMed 0.00096.

Submissions (4):

CeGaT Center for Human Genetics Tuebingen
Classification: Likely benign. Last evaluated: 2026-07-01. Review status: criteria provided, single submitter. Criteria: CeGaT Center For Human Genetics Tuebingen Variant Classification Criteria Version 2. Collection method: clinical testing. Allele origin: germline. Affected: yes. Observed: 1 variant allele.
Comment: COL6A2: BP4, BP7

Labcorp Genetics (formerly Invitae), Labcorp
Classification: Benign for Bethlem myopathy 1A. Last evaluated: 2025-12-23. Review status: criteria provided, single submitter. Criteria: Invitae Variant Classification Sherloc (09022015). Collection method: clinical testing. Allele origin: germline.

Blueprint Genetics
Classification: Likely benign. Last evaluated: 2024-05-03. Review status: criteria provided, single submitter. Criteria: ACMG Guidelines, 2015. Collection method: clinical testing. Allele origin: germline.

Eurofins Ntd Llc (ga)
Classification: Uncertain significance. Last evaluated: 2017-04-06. Review status: criteria provided, single submitter. Criteria: EGL Classification Definitions 2015. Collection method: clinical testing. Allele origin: germline. Observed: 4 variant alleles, 4 heterozygotes.

NM_001849.4(COL6A2):c.2484G>A (p.Thr828=)

Gene: COL6A2 (collagen type VI alpha 2 chain; plus strand). Cytogenetic location: 21q22.3.
Variant type: single nucleotide variant.
Coding change: c.2484G>A on transcript NM_001849.4 (MANE Select); coding-DNA position 2484, G replaced by A.
Protein change: p.Thr828=; no amino-acid change (threonine 828 retained).
Molecular consequence: synonymous variant.
Genome position (GRCh38, 1-based): chr21:46,131,976, G>A. VCF-style: chr21-46131976-G-A. GRCh37 (hg19) VCF-style: chr21-47551890-G-A.
Identifiers: ClinVar variation 93941 (VCV000093941.17), dbSNP rs147199350, ClinGen allele CA221825.